The following is an entry in ClinVar:

ClinVar aggregate classification (germline): Uncertain significance (1 of 4 stars; one submission).

gnomAD v4.1: 7 of 1,613,884 alleles (0.00043%); highest among the groups gnomAD compares: Non-Finnish European, 0.00059%; no homozygotes.

Submission:

Labcorp Genetics (formerly Invitae), Labcorp
Classification: Uncertain significance. Last evaluated: 2025-12-19. Review status: criteria provided, single submitter. Criteria: Invitae Variant Classification Sherloc (09022015). Collection method: clinical testing. Allele origin: germline.
Comment: This sequence change replaces arginine, which is basic and polar, with leucine, which is neutral and non-polar, at codon 1947 of the FAT1 protein (p.Arg1947Leu). This variant is present in population databases (rs765843504, gnomAD 0.002%). This variant has not been reported in the literature in individuals affected with FAT1-related conditions. An algorithm developed to predict the effect of missense changes on protein structure and function (PolyPhen-2) suggests that this variant is likely to be disruptive. In summary, the available evidence is currently insufficient to determine the role of this variant in disease. Therefore, it has been classified as a Variant of Uncertain Significance.

NM_005245.4(FAT1):c.5840G>T (p.Arg1947Leu)

Gene: FAT1 (FAT atypical cadherin 1; minus strand). Cytogenetic location: 4q35.2.
Variant type: single nucleotide variant.
Coding change: c.5840G>T on transcript NM_005245.4 (MANE Select); coding-DNA position 5840, G replaced by T.
Protein change: p.Arg1947Leu; replaces arginine 1947 with leucine.
Molecular consequence: missense variant.
Genome position (GRCh38, 1-based): chr4:186,620,746, C>A on the plus strand (G>T on the coding strand, the complement: FAT1 is on the minus strand). VCF-style: chr4-186620746-C-A. GRCh37 (hg19) VCF-style: chr4-187541900-C-A.
Other names: c.5840G>T, p.Arg1947Leu (NM_001440455.1, NM_001440456.1, NM_001440457.1); short protein forms R1947L.
Identifiers: ClinVar variation 4771918 (VCV004771918.1).